The following is an entry in ClinVar:

NC_000007.13:g.(?_83277724)_(83277858_?)del

Gene: SEMA3E (semaphorin 3E; minus strand). Cytogenetic location: 7q21.11.
Variant type: Deletion.
Identifiers: ClinVar variation 2425806 (VCV002425806.4).

ClinVar aggregate classification (germline): Uncertain significance (1 of 4 stars; one submission).

Conditions:
CHARGE syndrome (CHARGE). Also called: Hittner Hirsch Kreh syndrome; CHARGE ASSOCIATION--COLOBOMA, HEART ANOMALY, CHOANAL ATRESIA, RETARDATION, GENITAL AND EAR ANOMALIES; Coloboma, heart anomaly, choanal atresia, retardation, genital and ear anomalies; CHARGE association; Hall-Hittner syndrome. Identifiers: Orphanet 138, MedGen C0265354, MONDO:0008965.

Submission:

Labcorp Genetics (formerly Invitae), Labcorp
Classification: Uncertain significance for CHARGE syndrome. Last evaluated: 2023-07-24. Review status: criteria provided, single submitter. Criteria: Invitae Variant Classification Sherloc (09022015). Collection method: clinical testing. Allele origin: germline.
Comment: In summary, the available evidence is currently insufficient to determine the role of this variant in disease. Therefore, it has been classified as a Variant of Uncertain Significance. This variant has not been reported in the literature in individuals affected with SEMA3E-related conditions. This variant is a gross deletion of the genomic region encompassing exon(s) 1 of the SEMA3E gene, which includes the initiator codon. This deletion extends beyond the assayed region for this gene and therefore may encompass additional genes. It is expected to result in an absent or disrupted protein product. However, the current clinical and genetic evidence is not sufficient to establish whether loss-of-function variants in SEMA3E cause disease.